The following is an entry in ClinVar:

ClinVar aggregate classification (germline): Uncertain significance (1 of 4 stars; one submission).

Conditions:
Immunodeficiency 132A. Also called: Herpes simplex encephalitis, susceptibility to, 3. Identifiers: Orphanet 1930, MedGen C3553868, MONDO:0013920, OMIM 614849.

Allele frequency attached by ClinVar (database versions not stated): gnomAD exomes 0.00001; TOPMed 0.00002; ExAC 0.00002; gnomAD 0.00002.
gnomAD v4.1: 11 of 1,614,062 alleles (0.00068%); highest among the groups gnomAD compares: African/African-American, 0.004%; no homozygotes.

Submission:

Labcorp Genetics (formerly Invitae), Labcorp
Classification: Uncertain significance for Immunodeficiency 132A. Last evaluated: 2025-02-27. Review status: criteria provided, single submitter. Criteria: Invitae Variant Classification Sherloc (09022015). Collection method: clinical testing. Allele origin: germline.
Comment: This sequence change replaces lysine, which is basic and polar, with glutamic acid, which is acidic and polar, at codon 40 of the TRAF3 protein (p.Lys40Glu). This variant is present in population databases (rs764715452, gnomAD 0.01%). This variant has not been reported in the literature in individuals affected with TRAF3-related conditions. ClinVar contains an entry for this variant (Variation ID: 1404622). An algorithm developed to predict the effect of missense changes on protein structure and function (PolyPhen-2) suggests that this variant is likely to be tolerated. In summary, the available evidence is currently insufficient to determine the role of this variant in disease. Therefore, it has been classified as a Variant of Uncertain Significance.

NM_145725.3(TRAF3):c.118A>G (p.Lys40Glu)

Gene: TRAF3 (TNF receptor associated factor 3; plus strand). Cytogenetic location: 14q32.32.
Variant type: single nucleotide variant.
Coding change: c.118A>G on transcript NM_145725.3 (MANE Select); coding-DNA position 118, A replaced by G.
Protein change: p.Lys40Glu; replaces lysine 40 with glutamic acid.
Molecular consequence: missense variant.
Genome position (GRCh38, 1-based): chr14:102,870,319, A>G. VCF-style: chr14-102870319-A-G. GRCh37 (hg19) VCF-style: chr14-103336656-A-G.
Other names: c.118A>G, p.Lys40Glu (NM_145726.3, NM_001199427.2, NM_001385142.1 and 2 more transcripts); short protein forms K40E.
Identifiers: ClinVar variation 1404622 (VCV001404622.8), dbSNP rs764715452, ClinGen allele CA7359157.